The following is an entry in ClinVar:

ClinVar aggregate classification (germline): Likely benign. Review status: criteria provided, multiple submitters, no conflicts (2 of 4 stars). 2 submissions from 2 submitters: Likely benign (2). Last evaluated 2026-05-12.

Conditions:
PDE2A-related disorder. Also called: PDE2A-related condition.

Allele frequency attached by ClinVar (database versions not stated): ExAC 0.00018; 1000 Genomes Project 0.00020; ESP Exome Variant Server 0.00023; gnomAD exomes 0.00023; 1000 Genomes Project 30x 0.00031; gnomAD 0.00044 and 0.00047; TOPMed 0.00057.
gnomAD v4.1: 268 of 1,606,630 alleles (0.017%); highest among the groups gnomAD compares: African/African-American, 0.13%; no homozygotes.

Submissions (2):

PreventionGenetics, part of Exact Sciences
Classification: Likely benign for PDE2A-related condition. Last evaluated: 2026-05-12. Review status: criteria provided, single submitter. Criteria: ACMG Guidelines, 2015. Collection method: clinical testing. Allele origin: germline.
Comment: This variant is classified as likely benign based on ACMG/AMP sequence variant interpretation guidelines (Richards et al. 2015 PMID: 25741868, with internal and published modifications).

Labcorp Genetics (formerly Invitae), Labcorp
Classification: Likely benign. Last evaluated: 2025-12-15. Review status: criteria provided, single submitter. Criteria: Invitae Variant Classification Sherloc (09022015). Collection method: clinical testing. Allele origin: germline.

NM_002599.5(PDE2A):c.1044C>T (p.Cys348=)

Gene: PDE2A (phosphodiesterase 2A; minus strand). Cytogenetic location: 11q13.4.
Variant type: single nucleotide variant.
Coding change: c.1044C>T on transcript NM_002599.5 (MANE Select); coding-DNA position 1044, C replaced by T.
Protein change: p.Cys348=; no amino-acid change (cysteine 348 retained).
Molecular consequence: synonymous variant.
Genome position (GRCh38, 1-based): chr11:72,588,810, G>A on the plus strand (C>T on the coding strand, the complement: PDE2A is on the minus strand). VCF-style: chr11-72588810-G-A. GRCh37 (hg19) VCF-style: chr11-72299854-G-A.
Other names: c.1023C>T, p.Cys341= (NM_001143839.4); c.1017C>T, p.Cys339= (NM_001146209.3); c.981C>T, p.Cys327= (NM_001243784.2); c.1044C>T (NM_002599.4).
Identifiers: ClinVar variation 1577881 (VCV001577881.9), dbSNP rs138984931, ClinGen allele CA6172331.